The following is an entry in ClinVar:

ClinVar aggregate classification (germline): Uncertain significance (1 of 4 stars; one submission).

Conditions:
Inborn genetic diseases. Identifiers: MedGen C0950123, MeSH D030342.

Submission:

Ambry Genetics
Classification: Uncertain significance for Inborn genetic diseases. Last evaluated: 2024-06-09. Review status: criteria provided, single submitter. Criteria: Ambry Variant Classification Scheme 2023. Collection method: clinical testing. Allele origin: germline.
Comment: The p.L631M variant (also known as c.1891C>A), located in coding exon 16 of the LRRK2 gene, results from a C to A substitution at nucleotide position 1891. The leucine at codon 631 is replaced by methionine, an amino acid with highly similar properties. This amino acid position is conserved. In addition, the in silico prediction for this alteration is inconclusive. Based on the available evidence, the clinical significance of this variant remains unclear.

NM_198578.4(LRRK2):c.1891C>A (p.Leu631Met)

Gene: LRRK2 (leucine rich repeat kinase 2; plus strand). Cytogenetic location: 12q12.
Variant type: single nucleotide variant.
Coding change: c.1891C>A on transcript NM_198578.4 (MANE Select); coding-DNA position 1891, C replaced by A.
Protein change: p.Leu631Met; replaces leucine 631 with methionine.
Molecular consequence: missense variant.
Genome position (GRCh38, 1-based): chr12:40,274,943, C>A. VCF-style: chr12-40274943-C-A. GRCh37 (hg19) VCF-style: chr12-40668745-C-A.
Other names: short protein forms L631M.
Identifiers: ClinVar variation 3291892 (VCV003291892.1).